The following is an entry in ClinVar:

ClinVar aggregate classification (germline): Uncertain significance (1 of 4 stars; one submission).

Conditions:
Chédiak-Higashi syndrome (CHS). Also called: Chediak-Higashi Syndrome. Identifiers: Orphanet 167, MedGen C0007965, MONDO:0008963, OMIM 214500.

Submission:

Labcorp Genetics (formerly Invitae), Labcorp
Classification: Uncertain significance for Chédiak-Higashi syndrome. Last evaluated: 2021-08-31. Review status: criteria provided, single submitter. Criteria: Invitae Variant Classification Sherloc (09022015). Collection method: clinical testing. Allele origin: germline.
Comment: This variant, c.434_436del, results in the deletion of 1 amino acid(s) of the LYST protein (p.Arg145del), but otherwise preserves the integrity of the reading frame. The frequency data for this variant in the population databases is considered unreliable, as metrics indicate poor data quality at this position in the ExAC database. This variant has not been reported in the literature in individuals affected with LYST-related conditions. Experimental studies and prediction algorithms are not available or were not evaluated, and the functional significance of this variant is currently unknown. In summary, the available evidence is currently insufficient to determine the role of this variant in disease. Therefore, it has been classified as a Variant of Uncertain Significance.

NM_000081.4(LYST):c.431GAC[1] (p.Arg145del)

Gene: LYST (lysosomal trafficking regulator; minus strand). Cytogenetic location: 1q42.3.
Variant type: Microsatellite.
Coding change: c.431GAC[1] on transcript NM_000081.4 (MANE Select); one copy of the 3-base unit GAC starting at c.431; the reference has two copies in a row; one copy, 3 bases deleted.
Protein change: p.Arg145del; deletes arginine 145.
Molecular consequence: inframe deletion.
Genome position (GRCh38, 1-based): chr1:235,810,382-235,810,384, GTC deleted on the plus strand (GAC on the coding strand, the reverse complement: LYST is on the minus strand); deleting any 3 consecutive bases within chr1:235,810,382-235,810,387 gives the same sequence; the position shown is the placement nearest the transcript's 3' end. VCF-style (leftmost placement, unchanged base first): chr1-235810381-TGTC-T. GRCh37 (hg19) VCF-style: chr1-235973681-TGTC-T.
Other names: c.431GAC[1], p.Arg145del (NM_001301365.1); short protein forms R145del.
Identifiers: ClinVar variation 1378953 (VCV001378953.5), dbSNP rs747718989, ClinGen allele CA1467628.